The following is an entry in ClinVar:

ClinVar aggregate classification (germline): Uncertain significance (1 of 4 stars; one submission).

Allele frequency attached by ClinVar (database versions not stated): gnomAD exomes below 0.00001; ExAC 0.00002; gnomAD 0.00004; TOPMed 0.00004; ESP Exome Variant Server 0.00008.
gnomAD v4.1: 11 of 1,598,386 alleles (0.00069%); highest among the groups gnomAD compares: African/African-American, 0.013%; no homozygotes.

Submission:

Labcorp Genetics (formerly Invitae), Labcorp
Classification: Uncertain significance. Last evaluated: 2022-08-23. Review status: criteria provided, single submitter. Criteria: Invitae Variant Classification Sherloc (09022015). Collection method: clinical testing. Allele origin: germline.
Comment: This sequence change falls in intron 20 of the ERCC6 gene. It does not directly change the encoded amino acid sequence of the ERCC6 protein. This variant is present in population databases (rs377050453, gnomAD 0.02%). This variant has not been reported in the literature in individuals affected with ERCC6-related conditions. Algorithms developed to predict the effect of sequence changes on RNA splicing suggest that this variant may create or strengthen a splice site. In summary, the available evidence is currently insufficient to determine the role of this variant in disease. Therefore, it has been classified as a Variant of Uncertain Significance.

NM_000124.4(ERCC6):c.4062+10A>G

Gene: ERCC6 (ERCC excision repair 6, chromatin remodeling factor; minus strand). Cytogenetic location: 10q11.23.
Variant type: single nucleotide variant.
Coding change: c.4062+10A>G on transcript NM_000124.4 (MANE Select); 10 bases into the intron after coding-DNA position 4062, A replaced by G.
Molecular consequence: intron variant.
Genome position (GRCh38, 1-based): chr10:49,460,363, T>C on the plus strand (A>G on the coding strand, the complement: ERCC6 is on the minus strand). VCF-style: chr10-49460363-T-C. GRCh37 (hg19) VCF-style: chr10-50668409-T-C.
Other names: c.4062+10A>G (NM_001346440.2).
Identifiers: ClinVar variation 2163513 (VCV002163513.1), dbSNP rs377050453, ClinGen allele CA5495198.